The following is an entry in ClinVar:

NM_014991.6(WDFY3):c.9968G>A (p.Cys3323Tyr)

Gene: WDFY3 (WD repeat and FYVE domain containing 3; minus strand). Cytogenetic location: 4q21.23.
Variant type: single nucleotide variant.
Coding change: c.9968G>A on transcript NM_014991.6 (MANE Select); coding-DNA position 9968, G replaced by A.
Protein change: p.Cys3323Tyr; replaces cysteine 3323 with tyrosine.
Molecular consequence: missense variant.
Genome position (GRCh38, 1-based): chr4:84,679,098, C>T on the plus strand (G>A on the coding strand, the complement: WDFY3 is on the minus strand). VCF-style: chr4-84679098-C-T. GRCh37 (hg19) VCF-style: chr4-85600251-C-T.
Other names: short protein forms C3323Y.
Identifiers: ClinVar variation 2761802 (VCV002761802.3), dbSNP rs2530382583, ClinGen allele CA357266654.
Genomic context (GRCh38, chr4:84,679,098, plus strand): 5'-TTCTCATCTAGACTGAGCTGGTCGGACCAGCGTCTGGAGTCGTCAGAGCCACTGTCAGTA[C>T]ACCAGGCGGCTGTTGCGCGGCAGGAGGCTGCCCGGGGCCTGTGGCTGGTGCTGCTGGGTT-3'
Protein context (NP_055806.2, residues 3313-3333): AASCRATAAW[Cys3323Tyr]TDSGSDDSRR

ClinVar aggregate classification (germline): Uncertain significance (1 of 4 stars; one submission).

Submission:

Labcorp Genetics (formerly Invitae), Labcorp
Classification: Uncertain significance. Last evaluated: 2025-05-30. Review status: criteria provided, single submitter. Criteria: Invitae Variant Classification Sherloc (09022015). Collection method: clinical testing. Allele origin: germline.
Comment: This sequence change replaces cysteine, which is neutral and slightly polar, with tyrosine, which is neutral and polar, at codon 3323 of the WDFY3 protein (p.Cys3323Tyr). This variant is not present in population databases (gnomAD no frequency). This variant has not been reported in the literature in individuals affected with WDFY3-related conditions. ClinVar contains an entry for this variant (Variation ID: 2761802). An algorithm developed to predict the effect of missense changes on protein structure and function outputs the following: PolyPhen-2: "Benign". The tyrosine amino acid residue is found in multiple mammalian species, which suggests that this missense change does not adversely affect protein function. In summary, the available evidence is currently insufficient to determine the role of this variant in disease. Therefore, it has been classified as a Variant of Uncertain Significance.